The following is an entry in ClinVar:

NM_003172.4(SURF1):c.893C>G (p.Pro298Arg)

Gene: SURF1 (SURF1 cytochrome c oxidase assembly factor; minus strand). Cytogenetic location: 9q34.2.
Variant type: single nucleotide variant.
Coding change: c.893C>G on transcript NM_003172.4 (MANE Select); coding-DNA position 893, C replaced by G.
Protein change: p.Pro298Arg; replaces proline 298 with arginine.
Molecular consequence: missense variant.
Genome position (GRCh38, 1-based): chr9:133,351,923, G>C on the plus strand (C>G on the coding strand, the complement: SURF1 is on the minus strand). VCF-style: chr9-133351923-G-C. GRCh37 (hg19) VCF-style: chr9-136218778-G-C.
Other names: p.Pro298Arg; c.566C>G, p.Pro189Arg (NM_001280787.1); c.893C>G (NM_003172.2); short protein forms P298R, P189R.
Identifiers: ClinVar variation 526791 (VCV000526791.9), dbSNP rs201822068, ClinGen allele CA200831870.

ClinVar aggregate classification (germline): Uncertain significance. Review status: criteria provided, multiple submitters, no conflicts (2 of 4 stars). 5 submissions from 5 submitters: Uncertain significance (5). Last evaluated 2026-09-01.

Conditions:
Inborn genetic diseases. Identifiers: MedGen C0950123, MeSH D030342.
Leigh syndrome (NULS). Also called: LEIGH SYNDROME, NUCLEAR; Leigh Disease; Subacute necrotizing encephalopathy; Necrotizing encephalopathy infantile subacute of Leigh; Leigh Syndrome (mtDNA deletion); Leigh's necrotizing encephalopathy. Identifiers: Orphanet 506, MedGen C2931891, MONDO:0009723, OMIM 256000.

Allele frequency attached by ClinVar (database versions not stated): ExAC 0.00002; gnomAD exomes 0.00003; gnomAD 0.00008 and 0.00009; TOPMed 0.00008; ESP Exome Variant Server 0.00015; 1000 Genomes Project 0.00020; 1000 Genomes Project 30x 0.00031.
gnomAD v4.1: 179 of 1,613,728 alleles (0.011%); highest among the groups gnomAD compares: Non-Finnish European, 0.014%; no homozygotes.

Submissions (5):

CeGaT Center for Human Genetics Tuebingen
Classification: Uncertain significance. Last evaluated: 2026-09-01. Review status: criteria provided, single submitter. Criteria: CeGaT Center For Human Genetics Tuebingen Variant Classification Criteria Version 2. Collection method: clinical testing. Allele origin: germline. Affected: yes. Observed: 1 variant allele.
Comment: SURF1: PM2

Mayo Clinic Laboratories, Mayo Clinic
Classification: Uncertain significance. Last evaluated: 2025-05-04. Review status: criteria provided, single submitter. Criteria: ACMG Guidelines, 2015. Collection method: clinical testing. Allele origin: germline. Observed: 1 variant allele.

Ambry Genetics
Classification: Uncertain significance for Inborn genetic diseases. Last evaluated: 2022-10-04. Review status: criteria provided, single submitter. Criteria: Ambry Variant Classification Scheme 2023. Collection method: clinical testing. Allele origin: germline.

Labcorp Genetics (formerly Invitae), Labcorp
Classification: Uncertain significance for Leigh syndrome. Last evaluated: 2022-06-21. Review status: criteria provided, single submitter. Criteria: Invitae Variant Classification Sherloc (09022015). Collection method: clinical testing. Allele origin: germline.
Comment: This sequence change replaces proline, which is neutral and non-polar, with arginine, which is basic and polar, at codon 298 of the SURF1 protein (p.Pro298Arg). This variant is present in population databases (rs201822068, gnomAD 0.008%). This variant has not been reported in the literature in individuals affected with SURF1-related conditions. ClinVar contains an entry for this variant (Variation ID: 526791). Algorithms developed to predict the effect of missense changes on protein structure and function (SIFT, PolyPhen-2, Align-GVGD) all suggest that this variant is likely to be tolerated. In summary, the available evidence is currently insufficient to determine the role of this variant in disease. Therefore, it has been classified as a Variant of Uncertain Significance.

Illumina Laboratory Services, Illumina
Classification: Uncertain significance for Leigh syndrome. Last evaluated: 2018-03-16. Review status: criteria provided, single submitter. Criteria: ICSL Variant Classification Criteria 13 December 2019. Collection method: clinical testing. Allele origin: germline.